The following is an entry in ClinVar:

ClinVar aggregate classification (germline): Uncertain significance (1 of 4 stars; one submission).

Allele frequency attached by ClinVar (database versions not stated): gnomAD 0.00001; gnomAD exomes 0.00003; ExAC 0.00019.
gnomAD v4.1: 18 of 1,553,424 alleles (0.0012%); highest among the groups gnomAD compares: South Asian, 0.017%; no homozygotes.

Submission:

Labcorp Genetics (formerly Invitae), Labcorp
Classification: Uncertain significance. Last evaluated: 2021-05-31. Review status: criteria provided, single submitter. Criteria: Invitae Variant Classification Sherloc (09022015). Collection method: clinical testing. Allele origin: germline.
Comment: In summary, the available evidence is currently insufficient to determine the role of this variant in disease. Therefore, it has been classified as a Variant of Uncertain Significance. Algorithms developed to predict the effect of missense changes on protein structure and function are either unavailable or do not agree on the potential impact of this missense change (SIFT: "Deleterious"; PolyPhen-2: "Benign"; Align-GVGD: "Class C0"). This variant has not been reported in the literature in individuals with SORL1-related conditions. This variant is present in population databases (rs775717593, ExAC 0.07%). This sequence change replaces serine with leucine at codon 10 of the SORL1 protein (p.Ser10Leu). The serine residue is weakly conserved and there is a large physicochemical difference between serine and leucine.

NM_003105.6(SORL1):c.29C>T (p.Ser10Leu)

Genes: SORL1 (sortilin related receptor 1; plus strand), SORL1-AS1 (SORL1 antisense RNA 1; minus strand). Cytogenetic location: 11q24.1.
Variant type: single nucleotide variant.
Coding change: c.29C>T on transcript NM_003105.6 (MANE Select); coding-DNA position 29, C replaced by T.
Protein change: p.Ser10Leu; replaces serine 10 with leucine.
Molecular consequence: missense variant.
Genome position (GRCh38, 1-based): chr11:121,452,360, C>T. VCF-style: chr11-121452360-C-T. GRCh37 (hg19) VCF-style: chr11-121323069-C-T.
Other names: short protein forms S10L.
Identifiers: ClinVar variation 1462874 (VCV001462874.8), dbSNP rs775717593, ClinGen allele CA6328270.